The following is an entry in ClinVar:

ClinVar aggregate classification (germline): Benign/Likely benign. Review status: criteria provided, multiple submitters, no conflicts (2 of 4 stars). 10 submissions from 10 submitters: Benign (1); Likely benign (7). 2 of the submissions do not count toward it. Last evaluated 2026-02-01.

Conditions:
NOTCH1-related disorder. Also called: NOTCH1-related disorders; NOTCH1-related condition.
Adams-Oliver syndrome 5 (AOS5). Identifiers: Orphanet 974, MedGen C4014970, MONDO:0014459, OMIM 616028.
Connective tissue disorder. Also called: Connective tissue disease. Identifiers: MedGen C0009782, MONDO:0003900.
Familial thoracic aortic aneurysm and aortic dissection (TAAD). Also called: Thoracic aortic aneurysms and dissections. Identifiers: Orphanet 91387, MedGen C4707243, MONDO:0019625.

Allele frequency attached by ClinVar (database versions not stated): ESP Exome Variant Server 0.00009; 1000 Genomes Project 30x 0.00031; 1000 Genomes Project 0.00040; gnomAD 0.00041 and 0.00042; TOPMed 0.00043; gnomAD exomes 0.00050 and 0.00052; ExAC 0.00062.
gnomAD v4.1: 737 of 1,533,444 alleles (0.048%); highest among the groups gnomAD compares: Admixed American, 0.11%; 1 homozygote.

Submissions (10):

Labcorp Genetics (formerly Invitae), Labcorp
Classification: Likely benign for Adams-Oliver syndrome 5. Last evaluated: 2026-02-01. Review status: criteria provided, single submitter. Criteria: Invitae Variant Classification Sherloc (09022015). Collection method: clinical testing. Allele origin: germline.

Women's Health and Genetics/Laboratory Corporation of America, LabCorp
Classification: Likely benign. Last evaluated: 2026-01-10. Review status: criteria provided, single submitter. Criteria: LabCorp Variant Classification Summary - May 2015. Collection method: clinical testing. Allele origin: germline.

Ambry Genetics
Classification: Likely benign for Familial thoracic aortic aneurysm and aortic dissection. Last evaluated: 2025-09-15. Review status: criteria provided, single submitter. Criteria: Ambry Variant Classification Scheme 2023. Collection method: clinical testing. Allele origin: germline.

Mayo Clinic Laboratories, Mayo Clinic
Classification: Likely benign. Last evaluated: 2025-01-30. Review status: criteria provided, single submitter. Criteria: ACMG Guidelines, 2015. Collection method: clinical testing. Allele origin: germline. Observed: 1 variant allele.
Comment: BS1, BP4

Blueprint Genetics
Classification: Likely benign. Last evaluated: 2024-11-13. Review status: criteria provided, single submitter. Criteria: ACMG Guidelines, 2015. Collection method: clinical testing. Allele origin: germline.

CHEO Genetics Diagnostic Laboratory, Children's Hospital of Eastern Ontario
Classification: Benign for Familial thoracic aortic aneurysm and aortic dissection. Last evaluated: 2020-04-08. Review status: criteria provided, single submitter. Criteria: ACMG Guidelines, 2015. Collection method: clinical testing. Allele origin: germline. Study: Canadian Open Genetics Repository.

GeneDx
Classification: Likely benign. Last evaluated: 2018-02-02. Review status: criteria provided, single submitter. Criteria: GeneDx Variant Classification (06012015). Collection method: clinical testing. Allele origin: germline. Affected: yes.
Comment: This variant is considered likely benign or benign based on one or more of the following criteria: it is a conservative change, it occurs at a poorly conserved position in the protein, it is predicted to be benign by multiple in silico algorithms, and/or has population frequency not consistent with disease.

Center for Human Genetics, Inc
Classification: Likely benign for Connective tissue disorder. Last evaluated: 2016-11-01. Review status: criteria provided, single submitter. Criteria: ACMG Guidelines, 2015. Collection method: clinical testing. Allele origin: germline. Affected: yes.

PreventionGenetics, part of Exact Sciences
Classification: Likely benign for NOTCH1-related condition. Last evaluated: 2022-06-29. Review status: no assertion criteria provided. Collection method: clinical testing. Allele origin: germline. Not counted in ClinVar's aggregate classification.
Comment: This variant is classified as likely benign based on ACMG/AMP sequence variant interpretation guidelines (Richards et al. 2015 PMID: 25741868, with internal and published modifications).

ITMI
No classification provided. Condition: AllHighlyPenetrant. Last evaluated: 2013-09-19. Review status: no classification provided. Collection method: reference population. Allele origin: germline. Not counted in ClinVar's aggregate classification.
Comment: Please see associated publication for description of ethnicities

Literature cited by the submitters: PubMed 32748548 (cited by Ambry Genetics and Mayo Clinic Laboratories, Mayo Clinic); PubMed 24728327 (cited by ITMI).

NM_017617.5(NOTCH1):c.701G>A (p.Arg234His)

Gene: NOTCH1 (notch receptor 1; minus strand). Cytogenetic location: 9q34.3.
Variant type: single nucleotide variant.
Coding change: c.701G>A on transcript NM_017617.5 (MANE Select); coding-DNA position 701, G replaced by A.
Protein change: p.Arg234His; replaces arginine 234 with histidine.
Molecular consequence: missense variant.
Genome position (GRCh38, 1-based): chr9:136,522,891, C>T on the plus strand (G>A on the coding strand, the complement: NOTCH1 is on the minus strand). VCF-style: chr9-136522891-C-T. GRCh37 (hg19) VCF-style: chr9-139417343-C-T.
Other names: p.Arg234His; c.701G>A, p.Arg234His (LRG_1122t1); c.701G>A (NM_017617.4); short protein forms R234H.
Identifiers: ClinVar variation 134959 (VCV000134959.25), dbSNP rs150737112, ClinGen allele CA161245.
Genomic context (GRCh38, chr9:136,522,891, plus strand): 5'-GGCCAGCGGGCAGCACTACCTGGCAGGCAGGCACACTCGTGGGTGACGTCGCCCGTGGGG[C>T]GGCAGGTGCCCCCGTTCTGGCAGGGCGAGGGGCTGCAGGGCACGTAGGGCCGCTCGCAGT-3'
Protein context (NP_060087.3, residues 224-244): PSPCQNGGTC[Arg234His]PTGDVTHECA